The following is an entry in ClinVar:

ClinVar aggregate classification (germline): Pathogenic. Review status: criteria provided, multiple submitters, no conflicts (2 of 4 stars). 10 submissions from 10 submitters: Pathogenic (9). 1 of the submissions does not count toward it. Last evaluated 2025-12-20.

Conditions:
COL1A2-related disorder. Also called: COL1A2-related condition; COL1A2-Related Disorders.
Ehlers-Danlos syndrome, arthrochalasia type, 2. Also called: EHLERS-DANLOS SYNDROME, TYPE VIIB, AUTOSOMAL DOMINANT. Identifiers: MedGen CN293783, MONDO:0040501, OMIM 617821.
Osteogenesis imperfecta, perinatal lethal (OI2). Also called: Osteogenesis imperfecta type 2; OI, TYPE II; OSTEOGENESIS IMPERFECTA CONGENITA; Osteogenesis imperfecta, dominant perinatal lethal; OSTEOGENESIS IMPERFECTA, TYPE II; VROLIK TYPE OF OSTEOGENESIS IMPERFECTA. Identifiers: Orphanet 216804, MedGen C0268358, MONDO:0008147, OMIM 166210.
Osteogenesis imperfecta type III (OI3). Also called: Progressively Deforming Osteogenesis Imperfecta; Osteogenesis imperfecta type 3; OI type 3; Osteogenesis imperfecta, progressively deforming with normal sclerae; OI type III. Identifiers: Orphanet 216812, Orphanet 666, MedGen C0268362, MONDO:0009804, OMIM 259420.
Osteoporosis. Identifiers: MedGen C0029456, MONDO:0005298, OMIM 166710, HP:0000939.
Combined osteogenesis imperfecta and Ehlers-Danlos syndrome 2. Also called: OIEDS SYNDROME 2. Identifiers: MedGen C5436847, MONDO:0030855, OMIM 619120.
Osteogenesis imperfecta with normal sclerae, dominant form (OI4). Also called: OSTEOGENESIS IMPERFECTA WITH NORMAL SCLERAE; Osteogenesis imperfecta type 4; OSTEOGENESIS IMPERFECTA, TYPE IV, WITH DENTINOGENESIS IMPERFECTA; Common Variable Osteogenesis Imperfecta with Normal Sclerae; Osteogenesis Imperfecta Type IV. Identifiers: Orphanet 216820, Orphanet 666, MedGen C0268363, MONDO:0008148, OMIM 166220.
Ehlers-Danlos syndrome, cardiac valvular type. Identifiers: Orphanet 230851, MedGen C4303789, MONDO:0009159, OMIM 225320.
Ehlers-Danlos syndrome, classic type, 1 (EDSCL1). Also called: EDS I; Ehlers-Danlos syndrome, type 1; Ehlers-Danlos Syndrome, Classic Type, COL5A1-Related; EHLERS-DANLOS SYNDROME, GRAVIS TYPE; EHLERS-DANLOS SYNDROME, SEVERE CLASSIC TYPE. Identifiers: MedGen C0268335, MONDO:0019567, OMIM 130000.
Osteogenesis imperfecta type I (OI1). Also called: OI, TYPE I; OSTEOGENESIS IMPERFECTA TARDA; OSTEOGENESIS IMPERFECTA WITH BLUE SCLERAE; Osteogenesis imperfecta type 1; Lobstein's Disease; Classic Non-deforming Osteogenesis Imperfecta with Blue Sclerae. Identifiers: Orphanet 216796, Orphanet 666, MedGen C0023931, MONDO:0008146, OMIM 166200. Disease mechanism: loss of function.

Allele frequency attached by ClinVar (database versions not stated): gnomAD exomes below 0.00001.
gnomAD v4.1: 1 of 1,613,928 alleles (0.000062%); highest among the groups gnomAD compares: Non-Finnish European, 0.000085%; no homozygotes.

Submissions (10):

Labcorp Genetics (formerly Invitae), Labcorp
Classification: Pathogenic for Osteogenesis imperfecta type I; Ehlers-Danlos syndrome, classic type, 1. Last evaluated: 2025-12-20. Review status: criteria provided, single submitter. Criteria: Invitae Variant Classification Sherloc (09022015). Collection method: clinical testing. Allele origin: germline.
Comment: This sequence change replaces glycine, which is neutral and non-polar, with serine, which is neutral and polar, at codon 358 of the COL1A2 protein (p.Gly358Ser). This variant is not present in population databases (gnomAD no frequency). This missense change has been observed in individuals with osteogenesis imperfecta (PMID: 16705691, 21520333, 22589248, 26371943, 26432670, 29150909; internal data). ClinVar contains an entry for this variant (Variation ID: 456802). Invitae Evidence Modeling of protein sequence and biophysical properties (such as structural, functional, and spatial information, amino acid conservation, physicochemical variation, residue mobility, and thermodynamic stability) indicates that this missense variant is expected to disrupt COL1A2 protein function with a positive predictive value of 95%. This variant disrupts the triple helix domain of COL1A2. Glycine residues within the Gly-Xaa-Yaa repeats of the triple helix domain are required for the structure and stability of fibrillar collagens (PMID: 7695699, 8218237, 19344236). In COL1A2, variants affecting these glycine residues are significantly enriched in individuals with disease (PMID: 9016532, 17078022) compared to the general population (ExAC). For these reasons, this variant has been classified as Pathogenic.

3billion
Classification: Pathogenic for COL1A2-related disorder. Last evaluated: 2025-07-28. Review status: criteria provided, single submitter. Criteria: ACMG Guidelines, 2015. Collection method: clinical testing. Allele origin: germline. Affected: yes.
Comment: The variant is observed at an extremely low frequency in the gnomAD v4.1.0 dataset (total allele frequency: <0.001%). Predicted Consequence/Location: Missense variant. Missense changes are a common disease-causing mechanism. In silico tool predictions suggest damaging effect of the variant on gene or gene product [REVEL: 0.98 (>=0.6, sensitivity 0.68 and specificity 0.92); 3Cnet: 0.99 (> 0.75, sensitivity 0.96 and precision 0.92)]. The same nucleotide change resulting in the same amino acid change has been previously reported as pathogenic/likely pathogenic with strong evidence (ClinVar ID: VCV000456802 /PMID: 16705691 /3billion dataset). The variant has been observed in multiple (>3) similarly affected unrelated individuals (PMID: 26371943, 26432670, 29150909, 31299979). Different missense changes at the same codon (p.Gly358Asp, p.Gly358Cys) have been reported to be associated with COL1A2-related disorder (PMID: 28116328, 9240878). Therefore, this variant is classified as Pathogenic according to the recommendation of ACMG/AMP guideline.

GeneDx
Classification: Pathogenic. Last evaluated: 2024-07-30. Review status: criteria provided, single submitter. Criteria: GeneDx Variant Classification Process June 2021. Collection method: clinical testing. Allele origin: germline. Affected: yes.
Comment: Occurs in the triple helical domain and replaces a glycine in a canonical Gly-X-Y repeat; missense substitution of a canonical glycine residue is expected to disrupt normal protein folding and function, and this is an established mechanism of disease (PMID: 34007986); Not observed at significant frequency in large population cohorts (gnomAD); In silico analysis supports that this missense variant has a deleterious effect on protein structure/function; This variant is associated with the following publications: (PMID: 36709916, 37270749, 36951356, 29150909, 26371943, 34758253, 37229200, 21520333, 25525159, 33942288, 33939306, 28528406, 36140746, 27519266, 37810882, 31299979, 32166892, 34007986, 16705691, 22589248, 26432670)

Revvity Omics, Revvity
Classification: Pathogenic. Last evaluated: 2024-03-17. Review status: criteria provided, single submitter. Criteria: ACMG Guidelines, 2015. Collection method: clinical testing. Allele origin: germline.

Laboratorio de Genetica e Diagnostico Molecular, Hospital Israelita Albert Einstein
Classification: Pathogenic for Osteogenesis imperfecta type III. Last evaluated: 2022-01-29. Review status: criteria provided, single submitter. Criteria: ACMG Guidelines, 2015. Collection method: clinical testing. Allele origin: germline. Affected: yes.
Comment: ACMG classification criteria: PS4, PM1 moderate, PM2 moderate, PM5, PP3 supporting, PP4 supporting

HudsonAlpha Institute for Biotechnology
Classification: Pathogenic for Osteogenesis imperfecta, perinatal lethal. Last evaluated: 2021-07-29. Review status: criteria provided, single submitter. Criteria: ACMG Guidelines, 2015. Collection method: research. Allele origin: unknown. Affected: yes. Observed: 1 variant allele. Study: CSER-SouthSeq.
Comment: ACMG codes: PS4M; PM1; PM2; PP3; PP5

Fulgent Genetics
Classification: Pathogenic for Osteogenesis imperfecta, perinatal lethal; Osteogenesis imperfecta with normal sclerae, dominant form; Osteoporosis; Ehlers-Danlos syndrome, cardiac valvular type; Osteogenesis imperfecta type III; Ehlers-Danlos syndrome, arthrochalasia type, 2; Combined osteogenesis imperfecta and Ehlers-Danlos syndrome 2. Last evaluated: 2021-07-13. Review status: criteria provided, single submitter. Criteria: ACMG Guidelines, 2015. Collection method: clinical testing. Allele origin: unknown.

Blueprint Genetics
Classification: Pathogenic for COL1A2-related disorders. Last evaluated: 2020-05-18. Review status: criteria provided, single submitter. Criteria: ACMG Guidelines, 2015. Collection method: clinical testing. Allele origin: germline. Affected: yes. Observed: 1 variant allele.

CeGaT Center for Human Genetics Tuebingen
Classification: Pathogenic. Last evaluated: 2017-04-01. Review status: criteria provided, single submitter. Criteria: CeGaT Center For Human Genetics Tuebingen Variant Classification Criteria Version 2. Collection method: clinical testing. Allele origin: germline. Affected: yes. Observed: 1 variant allele.

Genomics England Pilot Project, Genomics England
Classification: Likely pathogenic for Osteogenesis imperfecta, perinatal lethal. Review status: no assertion criteria provided. Criteria: ACGS Guidelines, 2016. Collection method: clinical testing. Allele origin: germline. Affected: yes. Not counted in ClinVar's aggregate classification.

Literature cited by the submitters: PubMed 16705691 (cited by Labcorp Genetics (formerly Invitae), Labcorp and 3billion); PubMed 21520333 (cited by Labcorp Genetics (formerly Invitae), Labcorp); PubMed 22589248 (cited by Labcorp Genetics (formerly Invitae), Labcorp); PubMed 26371943 (cited by Labcorp Genetics (formerly Invitae), Labcorp and 3billion); PubMed 26432670 (cited by Labcorp Genetics (formerly Invitae), Labcorp and 3billion); PubMed 29150909 (cited by Labcorp Genetics (formerly Invitae), Labcorp and 3billion); PubMed 7695699 (cited by Labcorp Genetics (formerly Invitae), Labcorp); PubMed 8218237 (cited by Labcorp Genetics (formerly Invitae), Labcorp); PubMed 19344236 (cited by Labcorp Genetics (formerly Invitae), Labcorp); PubMed 9016532 (cited by Labcorp Genetics (formerly Invitae), Labcorp); PubMed 17078022 (cited by Labcorp Genetics (formerly Invitae), Labcorp); PubMed 28116328 (cited by 3billion); PubMed 31299979 (cited by 3billion).

NM_000089.4(COL1A2):c.1072G>A (p.Gly358Ser)

Gene: COL1A2 (collagen type I alpha 2 chain; plus strand). Cytogenetic location: 7q21.3.
Variant type: single nucleotide variant.
Coding change: c.1072G>A on transcript NM_000089.4 (MANE Select); coding-DNA position 1072, G replaced by A.
Protein change: p.Gly358Ser; replaces glycine 358 with serine.
Molecular consequence: missense variant.
Genome position (GRCh38, 1-based): chr7:94,410,278, G>A. VCF-style: chr7-94410278-G-A. GRCh37 (hg19) VCF-style: chr7-94039590-G-A.
Other names: short protein forms G358S.
Identifiers: ClinVar variation 456802 (VCV000456802.59), dbSNP rs66619856, ClinGen allele CA162920823.
Genomic context (GRCh38, chr7:94,410,278, plus strand): 5'-CCACTGTTCTGTATTGAACCCTAGGGTGAGCCTGGTCCAGCTGGCTCCAAAGGAGAGAGC[G>A]GTAACAAGGGTGAGCCCGTAAGTAGCTCTATCATCACACTTTTATAAAGTTAATTGTTTT-3'
Protein context (NP_000080.2, residues 348-368): PGPAGSKGES[Gly358Ser]NKGEPGSAGP